The following is an entry in ClinVar:

NM_025179.4(PLXNA2):c.4327G>A (p.Ala1443Thr)

Gene: PLXNA2 (plexin A2; minus strand). Cytogenetic location: 1q32.2.
Variant type: single nucleotide variant.
Coding change: c.4327G>A on transcript NM_025179.4 (MANE Select); coding-DNA position 4327, G replaced by A.
Protein change: p.Ala1443Thr; replaces alanine 1443 with threonine.
Molecular consequence: missense variant.
Genome position (GRCh38, 1-based): chr1:208,040,018, C>T on the plus strand (G>A on the coding strand, the complement: PLXNA2 is on the minus strand). VCF-style: chr1-208040018-C-T. GRCh37 (hg19) VCF-style: chr1-208213363-C-T.
Other names: c.4327G>A (NM_025179.3); short protein forms A1443T.
Identifiers: ClinVar variation 1475085 (VCV001475085.10), dbSNP rs12240051, ClinGen allele CA1372915.

ClinVar aggregate classification (germline): Uncertain significance. Review status: criteria provided, single submitter (1 of 4 stars). 2 submissions from 2 submitters: Uncertain significance (1). 1 of the submissions does not count toward it. Last evaluated 2025-09-03.

Conditions:
PLXNA2-related disorder. Also called: PLXNA2-related condition.

Allele frequency attached by ClinVar (database versions not stated): gnomAD exomes 0.00008 and 0.00014; ExAC 0.00016; ESP Exome Variant Server 0.00031; 1000 Genomes Project 0.00040; gnomAD 0.00040 and 0.00041; TOPMed 0.00046; 1000 Genomes Project 30x 0.00047.
gnomAD v4.1: 182 of 1,614,088 alleles (0.011%); highest among the groups gnomAD compares: African/African-American, 0.14%; 1 homozygote.

Submissions (2):

Labcorp Genetics (formerly Invitae), Labcorp
Classification: Uncertain significance. Last evaluated: 2025-09-03. Review status: criteria provided, single submitter. Criteria: Invitae Variant Classification Sherloc (09022015). Collection method: clinical testing. Allele origin: germline.
Comment: This sequence change replaces alanine, which is neutral and non-polar, with threonine, which is neutral and polar, at codon 1443 of the PLXNA2 protein (p.Ala1443Thr). This variant is present in population databases (rs12240051, gnomAD 0.1%), and has an allele count higher than expected for a pathogenic variant. This variant has not been reported in the literature in individuals affected with PLXNA2-related conditions. ClinVar contains an entry for this variant (Variation ID: 1475085). Invitae Evidence Modeling of protein sequence and biophysical properties (such as structural, functional, and spatial information, amino acid conservation, physicochemical variation, residue mobility, and thermodynamic stability) indicates that this missense variant is not expected to disrupt PLXNA2 protein function with a negative predictive value of 80%. In summary, the available evidence is currently insufficient to determine the role of this variant in disease. Therefore, it has been classified as a Variant of Uncertain Significance.

PreventionGenetics, part of Exact Sciences
Classification: Likely benign for PLXNA2-related condition. Last evaluated: 2024-07-30. Review status: no assertion criteria provided. Collection method: clinical testing. Allele origin: germline. Not counted in ClinVar's aggregate classification.
Comment: This variant is classified as likely benign based on ACMG/AMP sequence variant interpretation guidelines (Richards et al. 2015 PMID: 25741868, with internal and published modifications).